The following is an entry in ClinVar:

NM_001384732.1(CPLANE1):c.3040C>G (p.Leu1014Val)

Gene: CPLANE1 (ciliogenesis and planar polarity effector complex subunit 1; minus strand). Cytogenetic location: 5p13.2.
Variant type: single nucleotide variant.
Coding change: c.3040C>G on transcript NM_001384732.1 (MANE Select); coding-DNA position 3040, C replaced by G.
Protein change: p.Leu1014Val; replaces leucine 1014 with valine.
Molecular consequence: missense variant.
Genome position (GRCh38, 1-based): chr5:37,206,306, G>C on the plus strand (C>G on the coding strand, the complement: CPLANE1 is on the minus strand). VCF-style: chr5-37206306-G-C. GRCh37 (hg19) VCF-style: chr5-37206408-G-C.
Other names: c.3040C>G, p.Leu1014Val (NM_023073.4); short protein forms L1014V.
Identifiers: ClinVar variation 470163 (VCV000470163.1), dbSNP rs969126655, ClinGen allele CA117082595.

ClinVar aggregate classification (germline): Uncertain significance (1 of 4 stars; one submission).

Conditions:
Orofaciodigital syndrome type 6 (OFD6). Also called: OROFACIODIGITAL SYNDROME VI; OFDS VI; POLYDACTYLY, CLEFT LIP/PALATE OR LINGUAL LUMP, AND PSYCHOMOTOR RETARDATION; VARADI SYNDROME; VARADI-PAPP SYNDROME; Oral-facial-digital syndrome type 6. Identifiers: Orphanet 2754, MedGen C2745997, MONDO:0010176, OMIM 277170.
Joubert syndrome 17 (JBTS17). Identifiers: Orphanet 475, MedGen C3553264, MONDO:0013824, OMIM 614615.

Allele frequency attached by ClinVar (database versions not stated): gnomAD 0.00001; gnomAD exomes 0.00001.

Submission:

Labcorp Genetics (formerly Invitae), Labcorp
Classification: Uncertain significance for Orofaciodigital syndrome type 6; Joubert syndrome 17. Last evaluated: 2017-05-25. Review status: criteria provided, single submitter. Criteria: Invitae Variant Classification Sherloc (09022015). Collection method: clinical testing. Allele origin: germline.
Comment: This sequence change replaces leucine with valine at codon 1014 of the C5orf42 protein (p.Leu1014Val). The leucine residue is weakly conserved and there is a small physicochemical difference between leucine and valine. This variant is not present in population databases (ExAC no frequency) and has not been reported in the literature in individuals with a C5orf42-related disease. Algorithms developed to predict the effect of missense changes on protein structure and function do not agree on the potential impact of this missense change (SIFT: "Deleterious"; PolyPhen-2: "Probably Damaging"; Align-GVGD: "Class C0"). In summary, this variant is a novel missense change with uncertain impact on protein function. It has been classified as a Variant of Uncertain Significance.